The following is an entry in ClinVar:

ClinVar aggregate classification (germline): Conflicting classifications of pathogenicity. Review status: criteria provided, conflicting classifications (1 of 4 stars). 2 submissions from 2 submitters: Uncertain significance (1); Likely benign (1). Last evaluated 2024-02-06.

Allele frequency attached by ClinVar (database versions not stated): TOPMed below 0.00001.
gnomAD v4.1: 5 of 1,614,108 alleles (0.00031%); highest among the groups gnomAD compares: African/African-American, 0.0053%; no homozygotes.

Submissions (2):

Ambry Genetics
Classification: Likely benign. Last evaluated: 2024-02-06. Review status: criteria provided, single submitter. Criteria: Ambry Variant Classification Scheme 2023. Collection method: clinical testing. Allele origin: germline.

Labcorp Genetics (formerly Invitae), Labcorp
Classification: Uncertain significance. Last evaluated: 2023-06-23. Review status: criteria provided, single submitter. Criteria: Invitae Variant Classification Sherloc (09022015). Collection method: clinical testing. Allele origin: germline.
Comment: This sequence change replaces threonine, which is neutral and polar, with isoleucine, which is neutral and non-polar, at codon 515 of the GALNT12 protein (p.Thr515Ile). This variant is not present in population databases (gnomAD no frequency). This variant has not been reported in the literature in individuals affected with GALNT12-related conditions. ClinVar contains an entry for this variant (Variation ID: 1379913). Advanced modeling of protein sequence and biophysical properties (such as structural, functional, and spatial information, amino acid conservation, physicochemical variation, residue mobility, and thermodynamic stability) performed at Invitae indicates that this missense variant is not expected to disrupt GALNT12 protein function. In summary, the available evidence is currently insufficient to determine the role of this variant in disease. Therefore, it has been classified as a Variant of Uncertain Significance.

NM_024642.5(GALNT12):c.1544C>T (p.Thr515Ile)

Gene: GALNT12 (polypeptide N-acetylgalactosaminyltransferase 12; plus strand). Cytogenetic location: 9q22.33.
Variant type: single nucleotide variant.
Coding change: c.1544C>T on transcript NM_024642.5 (MANE Select); coding-DNA position 1544, C replaced by T.
Protein change: p.Thr515Ile; replaces threonine 515 with isoleucine.
Molecular consequence: missense variant.
Genome position (GRCh38, 1-based): chr9:98,846,062, C>T. VCF-style: chr9-98846062-C-T. GRCh37 (hg19) VCF-style: chr9-101608344-C-T.
Other names: c.1544C>T (NM_024642.4); short protein forms T515I.
Identifiers: ClinVar variation 1379913 (VCV001379913.9), dbSNP rs1836406734, ClinGen allele CA374221777.